The following is an entry in ClinVar:

NM_002529.4(NTRK1):c.607G>A (p.Ala203Thr)

Gene: NTRK1 (neurotrophic receptor tyrosine kinase 1; plus strand). Cytogenetic location: 1q23.1.
Variant type: single nucleotide variant.
Coding change: c.607G>A on transcript NM_002529.4 (MANE Select); coding-DNA position 607, G replaced by A.
Protein change: p.Ala203Thr; replaces alanine 203 with threonine.
Molecular consequence: missense variant.
Genome position (GRCh38, 1-based): chr1:156,868,537, G>A. VCF-style: chr1-156868537-G-A. GRCh37 (hg19) VCF-style: chr1-156838329-G-A.
Other names: c.517G>A, p.Ala173Thr (NM_001007792.1); c.607G>A, p.Ala203Thr (NM_001012331.2); short protein forms A173T, A203T.
Identifiers: ClinVar variation 970783 (VCV000970783.3), dbSNP rs1228967598, ClinGen allele CA342934258.

ClinVar aggregate classification (germline): Uncertain significance (1 of 4 stars; one submission).

Conditions:
Hereditary insensitivity to pain with anhidrosis (CIPA). Also called: NTRK1 Congenital Insensitivity to Pain with Anhidrosis; FAMILIAL DYSAUTONOMIA, TYPE II; NEUROPATHY, CONGENITAL SENSORY, WITH ANHIDROSIS; hereditary sensory and autonomic neuropathy type 4; HSAN Type IV; INSENSITIVITY TO PAIN, CONGENITAL, WITH ANHIDROSIS. Identifiers: Orphanet 642, MedGen C0020074, MONDO:0009746, OMIM 256800.

Allele frequency attached by ClinVar (database versions not stated): TOPMed below 0.00001.
gnomAD v4.1: 2 of 1,559,098 alleles (0.00013%); no homozygotes.

Submission:

Labcorp Genetics (formerly Invitae), Labcorp
Classification: Uncertain significance for Hereditary insensitivity to pain with anhidrosis. Last evaluated: 2021-08-31. Review status: criteria provided, single submitter. Criteria: Invitae Variant Classification Sherloc (09022015). Collection method: clinical testing. Allele origin: germline.
Comment: This sequence change replaces alanine with threonine at codon 203 of the NTRK1 protein (p.Ala203Thr). The alanine residue is weakly conserved and there is a small physicochemical difference between alanine and threonine. This variant is not present in population databases (ExAC no frequency). This variant has not been reported in the literature in individuals affected with NTRK1-related conditions. Algorithms developed to predict the effect of missense changes on protein structure and function output the following: SIFT: "Tolerated"; PolyPhen-2: "Benign"; Align-GVGD: "Class C0". The threonine amino acid residue is found in multiple mammalian species, which suggests that this missense change does not adversely affect protein function. In summary, the available evidence is currently insufficient to determine the role of this variant in disease. Therefore, it has been classified as a Variant of Uncertain Significance.